The following is an entry in ClinVar:

ClinVar aggregate classification (germline): Uncertain significance (1 of 4 stars; one submission).

Conditions:
Duchenne muscular dystrophy (DMD). Also called: MUSCULAR DYSTROPHY, PSEUDOHYPERTROPHIC PROGRESSIVE, DUCHENNE TYPE; Duchenne Muscular Dystrophy (DMD). Identifiers: Orphanet 98896, MedGen C0013264, MONDO:0010679, OMIM 310200.

gnomAD v4.1: 2 of 1,211,040 alleles (0.00017%); highest among the groups gnomAD compares: Non-Finnish European, 0.00022%; no homozygotes.

Submission:

Labcorp Genetics (formerly Invitae), Labcorp
Classification: Uncertain significance for Duchenne muscular dystrophy. Last evaluated: 2025-04-17. Review status: criteria provided, single submitter. Criteria: Invitae Variant Classification Sherloc (09022015). Collection method: clinical testing. Allele origin: germline.
Comment: This sequence change replaces glutamine, which is neutral and polar, with histidine, which is basic and polar, at codon 532 of the DMD protein (p.Gln532His). This variant is not present in population databases (gnomAD no frequency). This variant has not been reported in the literature in individuals affected with DMD-related conditions. Invitae Evidence Modeling of protein sequence and biophysical properties (such as structural, functional, and spatial information, amino acid conservation, physicochemical variation, residue mobility, and thermodynamic stability) indicates that this missense variant is not expected to disrupt DMD protein function with a negative predictive value of 95%. In summary, the available evidence is currently insufficient to determine the role of this variant in disease. Therefore, it has been classified as a Variant of Uncertain Significance.

NM_004006.3(DMD):c.1596A>T (p.Gln532His)

Gene: DMD (dystrophin; minus strand). Cytogenetic location: Xp21.1.
Variant type: single nucleotide variant.
Coding change: c.1596A>T on transcript NM_004006.3 (MANE Select); coding-DNA position 1596, A replaced by T.
Protein change: p.Gln532His; replaces glutamine 532 with histidine.
Molecular consequence: missense variant.
Genome position (GRCh38, 1-based): chrX:32,595,763, T>A on the plus strand (A>T on the coding strand, the complement: DMD is on the minus strand). VCF-style: chrX-32595763-T-A. GRCh37 (hg19) VCF-style: chrX-32613880-T-A.
Other names: c.1572A>T, p.Gln524His (NM_000109.4); c.1584A>T, p.Gln528His (NM_004009.3); c.1227A>T, p.Gln409His (NM_004010.3); short protein forms Q409H, Q524H, Q532H, Q528H.
Identifiers: ClinVar variation 4743289 (VCV004743289.1).